The following is an entry in ClinVar:

ClinVar aggregate classification (germline): Uncertain significance. Review status: criteria provided, multiple submitters, no conflicts (2 of 4 stars). 3 submissions from 3 submitters: Uncertain significance (3). Last evaluated 2025-06-09.

Conditions:
Combined immunodeficiency due to MALT1 deficiency. Also called: Immunodeficiency 12. Identifiers: Orphanet 397964, MedGen C3809583, MONDO:0014197, OMIM 615468.
Inborn genetic diseases. Identifiers: MedGen C0950123, MeSH D030342.

Allele frequency attached by ClinVar (database versions not stated): TOPMed below 0.00001; gnomAD 0.00001; gnomAD exomes 0.00001.
gnomAD v4.1: 17 of 1,614,016 alleles (0.0011%); highest among the groups gnomAD compares: Non-Finnish European, 0.0014%; no homozygotes.

Submissions (3):

Ambry Genetics
Classification: Uncertain significance for Inborn genetic diseases. Last evaluated: 2025-06-09. Review status: criteria provided, single submitter. Criteria: Ambry Variant Classification Scheme 2023. Collection method: clinical testing. Allele origin: germline.

Labcorp Genetics (formerly Invitae), Labcorp
Classification: Uncertain significance for Combined immunodeficiency due to MALT1 deficiency. Last evaluated: 2021-04-11. Review status: criteria provided, single submitter. Criteria: Invitae Variant Classification Sherloc (09022015). Collection method: clinical testing. Allele origin: germline.
Comment: In summary, the available evidence is currently insufficient to determine the role of this variant in disease. Therefore, it has been classified as a Variant of Uncertain Significance. Algorithms developed to predict the effect of missense changes on protein structure and function (SIFT, PolyPhen-2, Align-GVGD) all suggest that this variant is likely to be tolerated, but these predictions have not been confirmed by published functional studies and their clinical significance is uncertain. This variant has not been reported in the literature in individuals with MALT1-related conditions. This variant is not present in population databases (ExAC no frequency). This sequence change replaces arginine with glutamine at codon 719 of the MALT1 protein (p.Arg719Gln). The arginine residue is moderately conserved and there is a small physicochemical difference between arginine and glutamine.

Blueprint Genetics
Classification: Uncertain significance. Last evaluated: 2019-05-09. Review status: criteria provided, single submitter. Criteria: ACMG Guidelines, 2015. Collection method: clinical testing. Allele origin: germline.

NM_006785.4(MALT1):c.2156G>A (p.Arg719Gln)

Gene: MALT1 (MALT1 paracaspase; plus strand). Cytogenetic location: 18q21.32.
Variant type: single nucleotide variant.
Coding change: c.2156G>A on transcript NM_006785.4 (MANE Select); coding-DNA position 2156, G replaced by A.
Protein change: p.Arg719Gln; replaces arginine 719 with glutamine.
Molecular consequence: missense variant.
Genome position (GRCh38, 1-based): chr18:58,747,523, G>A. VCF-style: chr18-58747523-G-A. GRCh37 (hg19) VCF-style: chr18-56414755-G-A.
Other names: c.2156G>A (NM_006785.2); c.2123G>A, p.Arg708Gln (NM_173844.3); short protein forms R708Q, R719Q.
Identifiers: ClinVar variation 1439790 (VCV001439790.8), dbSNP rs1201771579, ClinGen allele CA402576649.
Genomic context (GRCh38, chr18:58,747,523, plus strand): 5'-TAGAGGACAAGCAGGAAGTGAATGTTGGGAAACCTCTCATTGCTAAATTAGACATGCATC[G>A]AGGTTTGGGAAGGAAGACTTGCTTTCAAACTTGTCTTATGTCTAATGGTCCTTACCAGAG-3'
Protein context (NP_006776.1, residues 709-729): KPLIAKLDMH[Arg719Gln]GLGRKTCFQT